The following is an entry in ClinVar:

ClinVar aggregate classification (germline): Pathogenic. Review status: criteria provided, multiple submitters, no conflicts (2 of 4 stars). 3 submissions from 3 submitters: Pathogenic (3). Last evaluated 2025-05-03.

Conditions:
Duchenne muscular dystrophy (DMD). Also called: MUSCULAR DYSTROPHY, PSEUDOHYPERTROPHIC PROGRESSIVE, DUCHENNE TYPE; Duchenne Muscular Dystrophy (DMD). Identifiers: Orphanet 98896, MedGen C0013264, MONDO:0010679, OMIM 310200.

Submissions (3):

GeneDx
Classification: Pathogenic. Last evaluated: 2025-05-03. Review status: criteria provided, single submitter. Criteria: GeneDx Variant Classification Process June 2021. Collection method: clinical testing. Allele origin: germline. Affected: yes.
Comment: Canonical splice site variant predicted to result in a null allele in a gene for which loss of function is a known mechanism of disease; Not observed at significant frequency in large population cohorts (gnomAD); This variant is associated with the following publications: (PMID: 19937601, 33376799, 33644936, 32194622, 20630757)

Labcorp Genetics (formerly Invitae), Labcorp
Classification: Pathogenic for Duchenne muscular dystrophy. Last evaluated: 2024-01-07. Review status: criteria provided, single submitter. Criteria: Invitae Variant Classification Sherloc (09022015). Collection method: clinical testing. Allele origin: germline.
Comment: This sequence change affects a donor splice site in intron 69 of the DMD gene. It is expected to disrupt RNA splicing. Variants that disrupt the donor or acceptor splice site typically lead to a loss of protein function (PMID: 16199547), and loss-of-function variants in DMD are known to be pathogenic (PMID: 16770791, 25007885). This variant is not present in population databases (gnomAD no frequency). Disruption of this splice site has been observed in individual(s) with Duchenne muscular dystrophy (PMID: 7581396, 8589698, 19937601, 32194622). ClinVar contains an entry for this variant (Variation ID: 1322551). Algorithms developed to predict the effect of sequence changes on RNA splicing suggest that this variant may disrupt the consensus splice site. For these reasons, this variant has been classified as Pathogenic.

Revvity Omics, Revvity
Classification: Pathogenic. Last evaluated: 2022-12-06. Review status: criteria provided, single submitter. Criteria: ACMG Guidelines, 2015. Collection method: clinical testing. Allele origin: germline.

Literature cited by the submitters: PubMed 16199547 (cited by Labcorp Genetics (formerly Invitae), Labcorp); PubMed 16770791 (cited by Labcorp Genetics (formerly Invitae), Labcorp); PubMed 25007885 (cited by Labcorp Genetics (formerly Invitae), Labcorp); PubMed 7581396 (cited by Labcorp Genetics (formerly Invitae), Labcorp); PubMed 8589698 (cited by Labcorp Genetics (formerly Invitae), Labcorp); PubMed 19937601 (cited by Labcorp Genetics (formerly Invitae), Labcorp); PubMed 32194622 (cited by Labcorp Genetics (formerly Invitae), Labcorp).

NM_004006.3(DMD):c.10086+2T>C

Gene: DMD (dystrophin; minus strand). Cytogenetic location: Xp21.2.
Variant type: single nucleotide variant.
Coding change: c.10086+2T>C on transcript NM_004006.3 (MANE Select); the canonical splice donor site of the intron after coding-DNA position 10086, T replaced by C.
Molecular consequence: splice donor variant.
Genome position (GRCh38, 1-based): chrX:31,180,368, A>G on the plus strand (T>C on the coding strand, the complement: DMD is on the minus strand). VCF-style: chrX-31180368-A-G. GRCh37 (hg19) VCF-style: chrX-31198485-A-G.
Other names: c.10062+2T>C (NM_000109.4); c.6063+2T>C (NM_004011.4); c.6054+2T>C (NM_004012.4); c.2706+2T>C (NM_004023.3, NM_004020.4, NM_004022.3 and 2 more transcripts); c.1899+2T>C (NM_004014.3); c.882+2T>C (NM_004018.3, NM_004017.3, NM_004016.3 and 2 more transcripts); c.10074+2T>C (NM_004009.3); c.9717+2T>C (NM_004010.3).
Identifiers: ClinVar variation 1322551 (VCV001322551.9), dbSNP rs2148310866, ClinGen allele CA412652979.